The following is an entry in ClinVar:

NM_005876.5(SPEG):c.356G>C (p.Cys119Ser)

Gene: SPEG (striated muscle enriched protein kinase; plus strand). Cytogenetic location: 2q35.
Variant type: single nucleotide variant.
Coding change: c.356G>C on transcript NM_005876.5 (MANE Select); coding-DNA position 356, G replaced by C.
Protein change: p.Cys119Ser; replaces cysteine 119 with serine.
Molecular consequence: missense variant.
Genome position (GRCh38, 1-based): chr2:219,435,333, G>C. VCF-style: chr2-219435333-G-C. GRCh37 (hg19) VCF-style: chr2-220300055-G-C.
Other names: short protein forms C119S.
Identifiers: ClinVar variation 1912895 (VCV001912895.2), dbSNP rs868844232, ClinGen allele CA350704377.

ClinVar aggregate classification (germline): Uncertain significance (1 of 4 stars; one submission).

Allele frequency attached by ClinVar (database versions not stated): gnomAD exomes below 0.00001; TOPMed 0.00001.
gnomAD v4.1: 1 of 1,538,506 alleles (0.000065%); highest among the groups gnomAD compares: Admixed American, 0.0019%; no homozygotes.

Submission:

Labcorp Genetics (formerly Invitae), Labcorp
Classification: Uncertain significance. Last evaluated: 2022-08-01. Review status: criteria provided, single submitter. Criteria: Invitae Variant Classification Sherloc (09022015). Collection method: clinical testing. Allele origin: germline.
Comment: This sequence change replaces cysteine, which is neutral and slightly polar, with serine, which is neutral and polar, at codon 119 of the SPEG protein (p.Cys119Ser). The frequency data for this variant in the population databases is considered unreliable, as metrics indicate poor data quality at this position in the gnomAD database. This variant has not been reported in the literature in individuals affected with SPEG-related conditions. Algorithms developed to predict the effect of missense changes on protein structure and function are either unavailable or do not agree on the potential impact of this missense change (SIFT: "Deleterious"; PolyPhen-2: "Benign"; Align-GVGD: "Class C0"). In summary, the available evidence is currently insufficient to determine the role of this variant in disease. Therefore, it has been classified as a Variant of Uncertain Significance.